The following is an entry in ClinVar:

ClinVar aggregate classification (germline): Uncertain significance (0 of 4 stars; one submission).

Conditions:
Breast ductal adenocarcinoma. Also called: Ductal breast carcinoma; Breast cancer, invasive ductal. Identifiers: MedGen C1527349, MONDO:0005590.

Submission:

Next Generation Diagnostics, Novartis Institutes for BioMedical Research, Inc.
Classification: Uncertain significance for Breast ductal adenocarcinoma. Last evaluated: 2015-07-20. Review status: no assertion criteria provided. Collection method: research. Allele origin: somatic. Affected: yes.
Comment: Loss of heterozygosity

chr1:16902894-17264939 complex variant

Genes: CROCC (ciliary rootlet coiled-coil, rootletin; plus strand), NBPF1 (NBPF member 1), RNU1-4 (RNA, U1 small nuclear 4), TRE-TTC3-1 (tRNA-Glu (anticodon TTC) 3-1; plus strand), TRQ-CTG14-1 (tRNA-Gln (anticodon CTG) 14-1). Cytogenetic location: 1p36.13.
Variant type: Complex.
Identifiers: ClinVar variation 221358 (VCV000221358.2).